The following is an entry in ClinVar:

ClinVar aggregate classification (germline): Uncertain significance (1 of 4 stars; one submission).

Conditions:
Autosomal dominant nocturnal frontal lobe epilepsy 5. Also called: KCNT1-Related Epilepsy; CILIARY DYSKINESIA, PRIMARY, 28, WITH SITUS INVERSUS; CILIARY DYSKINESIA, PRIMARY, 28, WITHOUT SITUS INVERSUS; Epilepsy, nocturnal frontal lobe, 5. Identifiers: Orphanet 98784, MedGen C3554306, MONDO:0014002, OMIM 615005.
Developmental and epileptic encephalopathy, 14 (DEE14). Also called: Early infantile epileptic encephalopathy 14. Identifiers: Orphanet 293181, MedGen C3554195, MONDO:0013989, OMIM 614959.

Allele frequency attached by ClinVar (database versions not stated): gnomAD exomes below 0.00001.
gnomAD v4.1: 1 of 1,613,594 alleles (0.000062%); highest among the groups gnomAD compares: Non-Finnish European, 0.000085%; no homozygotes.

Submission:

Labcorp Genetics (formerly Invitae), Labcorp
Classification: Uncertain significance for Autosomal dominant nocturnal frontal lobe epilepsy 5; Developmental and epileptic encephalopathy, 14. Last evaluated: 2023-04-26. Review status: criteria provided, single submitter. Criteria: Invitae Variant Classification Sherloc (09022015). Collection method: clinical testing. Allele origin: germline.
Comment: In summary, the available evidence is currently insufficient to determine the role of this variant in disease. Therefore, it has been classified as a Variant of Uncertain Significance. This variant has not been reported in the literature in individuals affected with KCNT1-related conditions. This variant is present in population databases (no rsID available, gnomAD 0.0009%). This sequence change creates a premature translational stop signal (p.Gln264*) in the KCNT1 gene. It is expected to result in an absent or disrupted protein product. However, the current clinical and genetic evidence is not sufficient to establish whether loss-of-function variants in KCNT1 cause disease.

NM_020822.3(KCNT1):c.790C>T (p.Gln264Ter)

Gene: KCNT1 (potassium sodium-activated channel subfamily T member 1; plus strand). Cytogenetic location: 9q34.3.
Variant type: single nucleotide variant.
Coding change: c.790C>T on transcript NM_020822.3 (MANE Select); coding-DNA position 790, C replaced by T.
Protein change: p.Gln264Ter; replaces glutamine 264 with a stop codon.
Molecular consequence: nonsense.
Genome position (GRCh38, 1-based): chr9:135,758,444, C>T. VCF-style: chr9-135758444-C-T. GRCh37 (hg19) VCF-style: chr9-138650290-C-T.
Other names: c.646C>T, p.Gln216Ter (NM_001272003.2); short protein forms Q264*, Q216*.
Identifiers: ClinVar variation 2923947 (VCV002923947.3), dbSNP rs1277700294, ClinGen allele CA375498132.